The following is an entry in ClinVar:

ClinVar aggregate classification (germline): Uncertain significance (1 of 4 stars; one submission).

gnomAD v4.1: 63 of 1,563,016 alleles (0.004%); highest among the groups gnomAD compares: Non-Finnish European, 0.0051%; no homozygotes.

Submission:

Labcorp Genetics (formerly Invitae), Labcorp
Classification: Uncertain significance. Last evaluated: 2026-01-06. Review status: criteria provided, single submitter. Criteria: Invitae Variant Classification Sherloc (09022015). Collection method: clinical testing. Allele origin: germline.
Comment: This sequence change affects codon 635 of the CARMIL2 mRNA. It is a 'silent' change, meaning that it does not change the encoded amino acid sequence of the CARMIL2 protein. This variant is present in population databases (rs370746243, gnomAD 0.007%). This variant has not been reported in the literature in individuals affected with CARMIL2-related conditions. Algorithms developed to predict the effect of sequence changes on RNA splicing suggest that this variant may disrupt the consensus splice site. In summary, the available evidence is currently insufficient to determine the role of this variant in disease. Therefore, it has been classified as a Variant of Uncertain Significance.

NM_001013838.3(CARMIL2):c.1905C>T (p.Val635=)

Gene: CARMIL2 (capping protein regulator and myosin 1 linker 2; plus strand). Cytogenetic location: 16q22.1.
Variant type: single nucleotide variant.
Coding change: c.1905C>T on transcript NM_001013838.3 (MANE Select); coding-DNA position 1905, C replaced by T.
Protein change: p.Val635=; no amino-acid change (valine 635 retained).
Molecular consequence: synonymous variant.
Genome position (GRCh38, 1-based): chr16:67,649,605, C>T. VCF-style: chr16-67649605-C-T. GRCh37 (hg19) VCF-style: chr16-67683508-C-T.
Other names: c.1797C>T, p.Val599= (NM_001317026.3, NM_001438244.1, NM_001438835.1).
Identifiers: ClinVar variation 4804917 (VCV004804917.1).